The following is an entry in ClinVar:

ClinVar aggregate classification (germline): Pathogenic (1 of 4 stars; one submission).

Conditions:
Wolman disease (WOLD). Also called: Wolman disease with hypolipoproteinemia and acanthocytosis; Acid cholesteryl ester hydrolase deficiency, Wolman type; Acid lipase disease; LYSOSOMAL ACID LIPASE DEFICIENCY, ACUTE INFANTILE; LYSOSOMAL ACID LIPASE DEFICIENCY, COMPLETE; LIPA DEFICIENCY, COMPLETE. Identifiers: Orphanet 75233, MedGen C0043208, MONDO:0019148, OMIM 620151.

Allele frequency attached by ClinVar (database versions not stated): ExAC 0.00001; gnomAD exomes below 0.00001.
gnomAD v4.1: 2 of 1,610,196 alleles (0.00012%); highest among the groups gnomAD compares: South Asian, 0.0011%; no homozygotes.

Submission:

Labcorp Genetics (formerly Invitae), Labcorp
Classification: Pathogenic for Wolman disease. Last evaluated: 2021-06-19. Review status: criteria provided, single submitter. Criteria: Invitae Variant Classification Sherloc (09022015). Collection method: clinical testing. Allele origin: germline.
Comment: For these reasons, this variant has been classified as Pathogenic. This variant disrupts the C-terminus of the LIPA protein. Other variant(s) that disrupt this region (p.Leu356*) have been determined to be pathogenic (PMID: 25852113). This suggests that variants that disrupt this region of the protein are likely to be causative of disease. This variant has not been reported in the literature in individuals with LIPA-related conditions. This variant is present in population databases (rs760413481, ExAC 0.006%). This sequence change creates a premature translational stop signal (p.Tyr317*) in the LIPA gene. While this is not anticipated to result in nonsense mediated decay, it is expected to disrupt the last 83 amino acid(s) of the LIPA protein.

Literature cited by the submitters: PubMed 25852113.

NM_000235.4(LIPA):c.951T>A (p.Tyr317Ter)

Gene: LIPA (lipase A, lysosomal acid type; minus strand). Cytogenetic location: 10q23.31.
Variant type: single nucleotide variant.
Coding change: c.951T>A on transcript NM_000235.4 (MANE Select); coding-DNA position 951, T replaced by A.
Protein change: p.Tyr317Ter; replaces tyrosine 317 with a stop codon.
Molecular consequence: nonsense.
Genome position (GRCh38, 1-based): chr10:89,215,953, A>T on the plus strand (T>A on the coding strand, the complement: LIPA is on the minus strand). VCF-style: chr10-89215953-A-T. GRCh37 (hg19) VCF-style: chr10-90975710-A-T.
Other names: c.951T>A, p.Tyr317Ter (NM_001127605.3); c.603T>A, p.Tyr201Ter (NM_001288979.2); short protein forms Y201*, Y317*.
Identifiers: ClinVar variation 1404815 (VCV001404815.8), dbSNP rs760413481, ClinGen allele CA5593559.